The following is an entry in ClinVar:

ClinVar aggregate classification (germline): Uncertain significance (1 of 4 stars; one submission).

Conditions:
MPI-congenital disorder of glycosylation. Also called: MPI-CDG; CONGENITAL DISORDER OF GLYCOSYLATION, TYPE Ib; CDG Ib; MANNOSEPHOSPHATE ISOMERASE DEFICIENCY; PROTEIN-LOSING ENTEROPATHY-HEPATIC FIBROSIS SYNDROME; MPI DEFICIENCY. Identifiers: Orphanet 79319, MedGen C1865145, MONDO:0011257, OMIM 602579.

gnomAD v4.1: 21 of 1,614,048 alleles (0.0013%); highest among the groups gnomAD compares: East Asian, 0.0022%; no homozygotes.

Submission:

Labcorp Genetics (formerly Invitae), Labcorp
Classification: Uncertain significance for MPI-congenital disorder of glycosylation. Last evaluated: 2025-02-24. Review status: criteria provided, single submitter. Criteria: Invitae Variant Classification Sherloc (09022015). Collection method: clinical testing. Allele origin: germline.
Comment: This sequence change replaces glycine, which is neutral and non-polar, with arginine, which is basic and polar, at codon 227 of the MPI protein (p.Gly227Arg). This variant is present in population databases (rs747198298, gnomAD 0.004%). This variant has not been reported in the literature in individuals affected with MPI-related conditions. An algorithm developed to predict the effect of missense changes on protein structure and function (PolyPhen-2) suggests that this variant is likely to be tolerated. In summary, the available evidence is currently insufficient to determine the role of this variant in disease. Therefore, it has been classified as a Variant of Uncertain Significance.

NM_002435.3(MPI):c.679G>A (p.Gly227Arg)

Gene: MPI (mannose phosphate isomerase; plus strand). Cytogenetic location: 15q24.1.
Variant type: single nucleotide variant.
Coding change: c.679G>A on transcript NM_002435.3 (MANE Select); coding-DNA position 679, G replaced by A.
Protein change: p.Gly227Arg; replaces glycine 227 with arginine.
Molecular consequence: missense variant.
Genome position (GRCh38, 1-based): chr15:74,896,160, G>A. VCF-style: chr15-74896160-G-A. GRCh37 (hg19) VCF-style: chr15-75188501-G-A.
Other names: c.679G>A, p.Gly227Arg (NM_001289155.2); c.529G>A, p.Gly177Arg (NM_001289156.2); c.496G>A, p.Gly166Arg (NM_001289157.2); c.619G>A, p.Gly207Arg (NM_001330372.2); short protein forms G166R, G177R, G207R, G227R.
Identifiers: ClinVar variation 3705116 (VCV003705116.2).